The following is an entry in ClinVar:

ClinVar aggregate classification (germline): Likely benign. Review status: criteria provided, multiple submitters, no conflicts (2 of 4 stars). 2 submissions from 2 submitters: Likely benign (2). Last evaluated 2025-08-26.

Allele frequency attached by ClinVar (database versions not stated): gnomAD exomes 0.00001; gnomAD 0.00002; TOPMed 0.00003.

Submissions (2):

Mayo Clinic Laboratories, Mayo Clinic
Classification: Likely benign. Last evaluated: 2025-08-26. Review status: criteria provided, single submitter. Criteria: ACMG Guidelines, 2015. Collection method: clinical testing. Allele origin: germline. Observed: 1 variant allele.
Comment: BP4, BP7

Labcorp Genetics (formerly Invitae), Labcorp
Classification: Likely benign. Last evaluated: 2024-06-11. Review status: criteria provided, single submitter. Criteria: Invitae Variant Classification Sherloc (09022015). Collection method: clinical testing. Allele origin: germline.

NM_198076.6(COX20):c.6C>T (p.Ala2=)

Gene: COX20 (cytochrome c oxidase assembly factor COX20; plus strand). Cytogenetic location: 1q44.
Variant type: single nucleotide variant.
Coding change: c.6C>T on transcript NM_198076.6 (MANE Select); coding-DNA position 6, C replaced by T.
Protein change: p.Ala2=; no amino-acid change (alanine 2 retained).
Molecular consequence: synonymous variant. On other transcripts: non-coding transcript variant (3).
Genome position (GRCh38, 1-based): chr1:244,835,720, C>T. VCF-style: chr1-244835720-C-T. GRCh37 (hg19) VCF-style: chr1-244999022-C-T.
Other names: p.Ala2=; c.6C>T, p.Ala2= (NM_001312871.1, NM_001312872.1, NM_001312873.1 and 1 more transcripts).
Identifiers: ClinVar variation 1942531 (VCV001942531.6), dbSNP rs961420748, ClinGen allele CA41129591.